The following is an entry in ClinVar:

NM_000127.3(EXT1):c.2059del (p.Ser687fs)

Gene: EXT1 (exostosin glycosyltransferase 1; minus strand). Cytogenetic location: 8q24.11.
Variant type: Deletion.
Coding change: c.2059del on transcript NM_000127.3 (MANE Select); coding-DNA position 2059, one base deleted (T; older notation c.2059delT).
Protein change: p.Ser687fs; shifts the reading frame from serine 687.
Molecular consequence: frameshift variant.
Genome position (GRCh38, 1-based): chr8:117,799,894, A deleted on the plus strand (T on the coding strand, the reverse complement: EXT1 is on the minus strand); the first of 2 consecutive A bases (chr8:117,799,894-117,799,895); deleting either gives the same sequence. VCF-style (leftmost placement, unchanged base first): chr8-117799893-GA-G. GRCh37 (hg19) VCF-style: chr8-118812132-GA-G.
Other names: c.2059delT (NM_000127.2); short protein forms S687fs.
Identifiers: ClinVar variation 526309 (VCV000526309.7), dbSNP rs1554656288, ClinGen allele CA658797138.

ClinVar aggregate classification (germline): Pathogenic (1 of 4 stars; one submission).

Conditions:
Multiple congenital exostosis (EXT). Also called: Multiple exostoses; Hereditary multiple exostoses; Hereditary multiple exostosis; MULTIPLE CARTILAGINOUS EXOSTOSES; Hereditary multiple osteochondromas; Multiple osteochondromas. Identifiers: Orphanet 321, MedGen C0015306, MONDO:0005508, HP:0002762.

Submission:

Labcorp Genetics (formerly Invitae), Labcorp
Classification: Pathogenic for Multiple congenital exostosis. Last evaluated: 2017-10-06. Review status: criteria provided, single submitter. Criteria: Invitae Variant Classification Sherloc (09022015). Collection method: clinical testing. Allele origin: germline.
Comment: This variant has not been reported in the literature in individuals with EXT1-related disease. This variant is not present in population databases (ExAC no frequency). Different truncations (p.Arg701*, p.Gln702*) located downstream of this variant has been determined to be pathogenic (PMID: 11170095, 26690531, 19810120, Invitae). This suggests that deletion of this region of the EXT1 protein is causative of disease. For these reasons, this variant has been classified as Pathogenic. This sequence change results in a premature translational stop signal in the EXT1 gene (p.Ser687Leufs*19). While this is not anticipated to result in nonsense mediated decay, it is expected to disrupt the last 60 amino acids of the EXT1 protein.

Literature cited by the submitters: PubMed 11170095; PubMed 26690531; PubMed 19810120.